The following is an entry in ClinVar:

NM_153603.4(COG7):c.2297G>A (p.Arg766Gln)

Gene: COG7 (component of oligomeric golgi complex 7; minus strand). Cytogenetic location: 16p12.2.
Variant type: single nucleotide variant.
Coding change: c.2297G>A on transcript NM_153603.4 (MANE Select); coding-DNA position 2297, G replaced by A.
Protein change: p.Arg766Gln; replaces arginine 766 with glutamine.
Molecular consequence: missense variant.
Genome position (GRCh38, 1-based): chr16:23,388,936, C>T on the plus strand (G>A on the coding strand, the complement: COG7 is on the minus strand). VCF-style: chr16-23388936-C-T. GRCh37 (hg19) VCF-style: chr16-23400257-C-T.
Other names: short protein forms R766Q.
Identifiers: ClinVar variation 538565 (VCV000538565.9), dbSNP rs368136642, ClinGen allele CA7960711.

ClinVar aggregate classification (germline): Uncertain significance. Review status: criteria provided, multiple submitters, no conflicts (2 of 4 stars). 2 submissions from 2 submitters: Uncertain significance (2). Last evaluated 2025-06-30.

Conditions:
Inborn genetic diseases. Identifiers: MedGen C0950123, MeSH D030342.
COG7 congenital disorder of glycosylation (CDG2E). Also called: CONGENITAL DISORDER OF GLYCOSYLATION, TYPE IIe; CDG IIe. Identifiers: Orphanet 79333, MedGen C2931010, MONDO:0012118, OMIM 608779.

Allele frequency attached by ClinVar (database versions not stated): gnomAD exomes 0.00003 and 0.00006; ExAC 0.00005; gnomAD 0.00005 and 0.00006; TOPMed 0.00012; ESP Exome Variant Server 0.00015.
gnomAD v4.1: 49 of 1,613,966 alleles (0.003%); highest among the groups gnomAD compares: African/African-American, 0.021%; 1 homozygote.

Submissions (2):

Ambry Genetics
Classification: Uncertain significance for Inborn genetic diseases. Last evaluated: 2025-06-30. Review status: criteria provided, single submitter. Criteria: Ambry Variant Classification Scheme 2023. Collection method: clinical testing. Allele origin: germline.

Labcorp Genetics (formerly Invitae), Labcorp
Classification: Uncertain significance for COG7 congenital disorder of glycosylation. Last evaluated: 2022-04-10. Review status: criteria provided, single submitter. Criteria: Invitae Variant Classification Sherloc (09022015). Collection method: clinical testing. Allele origin: germline.
Comment: This sequence change replaces arginine, which is basic and polar, with glutamine, which is neutral and polar, at codon 766 of the COG7 protein (p.Arg766Gln). This variant is present in population databases (rs368136642, gnomAD 0.02%). This variant has not been reported in the literature in individuals affected with COG7-related conditions. ClinVar contains an entry for this variant (Variation ID: 538565). Algorithms developed to predict the effect of missense changes on protein structure and function are either unavailable or do not agree on the potential impact of this missense change (SIFT: "Deleterious"; PolyPhen-2: "Probably Damaging"; Align-GVGD: "Class C0"). Algorithms developed to predict the effect of sequence changes on RNA splicing suggest that this variant may create or strengthen a splice site. In summary, the available evidence is currently insufficient to determine the role of this variant in disease. Therefore, it has been classified as a Variant of Uncertain Significance.